The following is an entry in ClinVar:

NM_004336.5(BUB1):c.718G>A (p.Glu240Lys)

Gene: BUB1 (BUB1 mitotic checkpoint serine/threonine kinase; minus strand). Cytogenetic location: 2q13.
Variant type: single nucleotide variant.
Coding change: c.718G>A on transcript NM_004336.5 (MANE Select); coding-DNA position 718, G replaced by A.
Protein change: p.Glu240Lys; replaces glutamic acid 240 with lysine.
Molecular consequence: missense variant.
Genome position (GRCh38, 1-based): chr2:110,667,608, C>T on the plus strand (G>A on the coding strand, the complement: BUB1 is on the minus strand). VCF-style: chr2-110667608-C-T. GRCh37 (hg19) VCF-style: chr2-111425185-C-T.
Other names: c.658G>A, p.Glu220Lys (NM_001278616.2); c.718G>A, p.Glu240Lys (NM_001278617.2); short protein forms E240K, E220K.
Identifiers: ClinVar variation 3262138 (VCV003262138.1).

ClinVar aggregate classification (germline): Uncertain significance (1 of 4 stars; one submission).

Submission:

Ambry Genetics
Classification: Uncertain significance. Last evaluated: 2024-04-09. Review status: criteria provided, single submitter. Criteria: Ambry Variant Classification Scheme 2023. Collection method: clinical testing. Allele origin: germline.
Comment: The p.E240K variant (also known as c.718G>A), located in coding exon 8 of the BUB1 gene, results from a G to A substitution at nucleotide position 718. The glutamic acid at codon 240 is replaced by lysine, an amino acid with similar properties. This amino acid position is conserved. In addition, this alteration is predicted to be tolerated by in silico analysis. Based on the available evidence, the clinical significance of this variant remains unclear.